The following is an entry in ClinVar:

ClinVar aggregate classification (germline): Likely benign. Review status: criteria provided, multiple submitters, no conflicts (2 of 4 stars). 2 submissions from 2 submitters: Likely benign (2). Last evaluated 2025-11-02.

Conditions:
Joubert syndrome. Also called: JOUBERT-BOLTSHAUSER SYNDROME; Familial aplasia of the vermis. Identifiers: Orphanet 475, MedGen C5979921, MONDO:0018772.
Meckel-Gruber syndrome. Also called: DYSENCEPHALIA SPLANCHNOCYSTICA; GRUBER SYNDROME; Dysencephalia splachnocystica. Identifiers: Orphanet 564, MedGen C0265215, MONDO:0018921.
CC2D2A-related disorder. Also called: CC2D2A-related condition; CC2D2A-related disorders. Identifiers: MedGen CN239313.

Allele frequency attached by ClinVar (database versions not stated): gnomAD exomes below 0.00001; TOPMed below 0.00001.
gnomAD v4.1: 3 of 1,537,998 alleles (0.0002%); highest among the groups gnomAD compares: African/African-American, 0.0028%; no homozygotes.

Submissions (2):

PreventionGenetics, part of Exact Sciences
Classification: Likely benign for CC2D2A-related condition. Last evaluated: 2025-11-02. Review status: criteria provided, single submitter. Criteria: ACMG Guidelines, 2015. Collection method: clinical testing. Allele origin: germline.
Comment: This variant is classified as likely benign based on ACMG/AMP sequence variant interpretation guidelines (Richards et al. 2015 PMID: 25741868, with internal and published modifications).

Labcorp Genetics (formerly Invitae), Labcorp
Classification: Likely benign for Joubert syndrome; Meckel-Gruber syndrome. Last evaluated: 2023-11-07. Review status: criteria provided, single submitter. Criteria: Invitae Variant Classification Sherloc (09022015). Collection method: clinical testing. Allele origin: germline.

NM_001378615.1(CC2D2A):c.3771+8C>T

Genes: CC2D2A (coiled-coil and C2 domain containing 2A; plus strand), FBXL5 (F-box and leucine rich repeat protein 5; minus strand). Cytogenetic location: 4p15.32.
Variant type: single nucleotide variant.
Coding change: c.3771+8C>T on transcript NM_001378615.1 (MANE Select); 8 bases into the intron after coding-DNA position 3771, C replaced by T.
Molecular consequence: intron variant.
Genome position (GRCh38, 1-based): chr4:15,574,334, C>T. VCF-style: chr4-15574334-C-T. GRCh37 (hg19) VCF-style: chr4-15575957-C-T.
Other names: c.3771+8C>T (NM_001080522.2); c.3624+8C>T (NM_001378617.1).
Identifiers: ClinVar variation 2938159 (VCV002938159.4), dbSNP rs1439534382, ClinGen allele CA789434935.